The following is an entry in ClinVar:

NM_206933.4(USH2A):c.9055+1del

Gene: USH2A (usherin; minus strand). Cytogenetic location: 1q41.
Variant type: Deletion.
Coding change: c.9055+1del on transcript NM_206933.4 (MANE Select); the canonical splice donor site of the intron after coding-DNA position 9055, one base deleted (G; older notation c.9055+1delG).
Molecular consequence: splice donor variant.
Genome position (GRCh38, 1-based): chr1:215,845,823, C deleted on the plus strand (G on the coding strand, the reverse complement: USH2A is on the minus strand); the first of 5 consecutive C bases (chr1:215,845,823-215,845,827); deleting any one gives the same sequence. VCF-style (leftmost placement, unchanged base first): chr1-215845822-AC-A. GRCh37 (hg19) VCF-style: chr1-216019164-AC-A.
Identifiers: ClinVar variation 520580 (VCV000520580.12), dbSNP rs1553268563, ClinGen allele CA658795593.

ClinVar aggregate classification (germline): Pathogenic/Likely pathogenic. Review status: criteria provided, multiple submitters, no conflicts (2 of 4 stars). 5 submissions from 5 submitters: Pathogenic (1); Likely pathogenic (4). Last evaluated 2024-04-10.

Conditions:
Inborn genetic diseases. Identifiers: MedGen C0950123, MeSH D030342.
Retinitis pigmentosa 39 (RP39). Identifiers: Orphanet 791, MedGen C3151138, MONDO:0013436, OMIM 613809.
Usher syndrome type 2A. Also called: RETINAL DISEASE IN USHER SYNDROME TYPE IIA, MODIFIER OF; USHER SYNDROME, TYPE IIA. Identifiers: Orphanet 231178, Orphanet 886, MedGen C1848634, MONDO:0010169, OMIM 276901.
USH2A-related disorder. Also called: USH2A-related disorders; USH2A-related condition. Identifiers: MedGen CN239332.

Submissions (5):

Fulgent Genetics
Classification: Likely pathogenic for Usher syndrome type 2A; Retinitis pigmentosa 39. Last evaluated: 2024-04-10. Review status: criteria provided, single submitter. Criteria: ACMG Guidelines, 2015. Collection method: clinical testing. Allele origin: germline.

Genome-Nilou Lab
Classification: Likely pathogenic for Usher syndrome type 2A. Last evaluated: 2023-04-11. Review status: criteria provided, single submitter. Criteria: ACMG Guidelines, 2015. Collection method: clinical testing. Allele origin: germline. Affected: no.

Labcorp Genetics (formerly Invitae), Labcorp
Classification: Pathogenic. Last evaluated: 2022-07-31. Review status: criteria provided, single submitter. Criteria: Invitae Variant Classification Sherloc (09022015). Collection method: clinical testing. Allele origin: germline.
Comment: For these reasons, this variant has been classified as Pathogenic. This sequence change creates a premature translational stop signal (p.Glu3019Serfs*39) in the USH2A gene. It is expected to result in an absent or disrupted protein product. Loss-of-function variants in USH2A are known to be pathogenic (PMID: 10729113, 10909849, 20507924, 25649381). This variant is not present in population databases (gnomAD no frequency). This variant has not been reported in the literature in individuals affected with USH2A-related conditions. This variant is also known as c.9055+1del. ClinVar contains an entry for this variant (Variation ID: 520580). Algorithms developed to predict the effect of sequence changes on RNA splicing suggest that this variant may disrupt the consensus splice site.

Blueprint Genetics
Classification: Likely pathogenic for USH2A-related disorders. Last evaluated: 2020-09-22. Review status: criteria provided, single submitter. Criteria: ACMG Guidelines, 2015. Collection method: clinical testing. Allele origin: germline. Affected: yes. Observed: 1 variant allele.

Ambry Genetics
Classification: Likely pathogenic for Inborn genetic diseases. Last evaluated: 2014-10-13. Review status: criteria provided, single submitter. Criteria: Ambry exome assertion method (8-5-2015). Collection method: clinical testing. Allele origin: germline. Affected: yes. Observed: 1 variant allele.

Literature cited by the submitters: PubMed 10729113 (cited by Labcorp Genetics (formerly Invitae), Labcorp); PubMed 10909849 (cited by Labcorp Genetics (formerly Invitae), Labcorp); PubMed 20507924 (cited by Labcorp Genetics (formerly Invitae), Labcorp); PubMed 25649381 (cited by Labcorp Genetics (formerly Invitae), Labcorp).